The following is an entry in ClinVar:

NM_017780.4(CHD7):c.4669A>G (p.Arg1557Gly)

Gene: CHD7 (chromodomain helicase DNA binding protein 7; plus strand). Cytogenetic location: 8q12.2.
Variant type: single nucleotide variant.
Coding change: c.4669A>G on transcript NM_017780.4 (MANE Select); coding-DNA position 4669, A replaced by G.
Protein change: p.Arg1557Gly; replaces arginine 1557 with glycine.
Molecular consequence: missense variant. On other transcripts: intron variant (1).
Genome position (GRCh38, 1-based): chr8:60,841,871, A>G. VCF-style: chr8-60841871-A-G. GRCh37 (hg19) VCF-style: chr8-61754430-A-G.
Other names: c.1717-20358A>G (NM_001316690.1); short protein forms R1557G.
Identifiers: ClinVar variation 1021391 (VCV001021391.8), dbSNP rs1804990594, ClinGen allele CA371318967.

ClinVar aggregate classification (germline): Likely pathogenic (1 of 4 stars; one submission).

Conditions:
CHARGE syndrome (CHARGE). Also called: Hittner Hirsch Kreh syndrome; Coloboma, heart anomaly, choanal atresia, retardation, genital and ear anomalies; CHARGE association; Hall-Hittner syndrome; CHARGE ASSOCIATION--COLOBOMA, HEART ANOMALY, CHOANAL ATRESIA, RETARDATION, GENITAL AND EAR ANOMALIES. Identifiers: Orphanet 138, MedGen C0265354, MONDO:0008965.

Submission:

Labcorp Genetics (formerly Invitae), Labcorp
Classification: Likely pathogenic for CHARGE syndrome. Last evaluated: 2021-03-29. Review status: criteria provided, single submitter. Criteria: Invitae Variant Classification Sherloc (09022015). Collection method: clinical testing. Allele origin: germline.
Comment: In summary, the currently available evidence indicates that the variant is pathogenic, but additional data are needed to prove that conclusively. Therefore, this variant has been classified as Likely Pathogenic. Algorithms developed to predict the effect of sequence changes on RNA splicing suggest that this variant may create or strengthen a splice site, but this prediction has not been confirmed by published transcriptional studies. This sequence change replaces arginine with glycine at codon 1557 of the CHD7 protein (p.Arg1557Gly). The arginine residue is highly conserved and there is a moderate physicochemical difference between arginine and glycine. This variant is not present in population databases (ExAC no frequency). This variant has been observed in individual(s) with clinical features of CHARGE syndrome (Invitae). In at least one individual the variant was observed to be de novo. Algorithms developed to predict the effect of missense changes on protein structure and function are either unavailable or do not agree on the potential impact of this missense change (SIFT: "Deleterious"; PolyPhen-2: "Probably Damaging"; Align-GVGD: "Class C0").